The following is an entry in ClinVar:

ClinVar aggregate classification (germline): Uncertain significance (1 of 4 stars; one submission).

Conditions:
Schimke immuno-osseous dysplasia (SIOD). Also called: Schimke Immunoosseous Dysplasia. Identifiers: Orphanet 1830, MedGen C0877024, MONDO:0009458, OMIM 242900.

Allele frequency attached by ClinVar (database versions not stated): gnomAD exomes below 0.00001.
gnomAD v4.1: 2 of 1,614,152 alleles (0.00012%); highest among the groups gnomAD compares: Admixed American, 0.0017%; no homozygotes.

Submission:

Labcorp Genetics (formerly Invitae), Labcorp
Classification: Uncertain significance for Schimke immuno-osseous dysplasia. Last evaluated: 2020-12-27. Review status: criteria provided, single submitter. Criteria: Invitae Variant Classification Sherloc (09022015). Collection method: clinical testing. Allele origin: germline.
Comment: This variant has not been reported in the literature in individuals with SMARCAL1-related conditions. ClinVar contains an entry for this variant (Variation ID: 577940). This variant is not present in population databases (ExAC no frequency). This sequence change replaces leucine with phenylalanine at codon 532 of the SMARCAL1 protein (p.Leu532Phe). The leucine residue is moderately conserved and there is a small physicochemical difference between leucine and phenylalanine. In summary, the available evidence is currently insufficient to determine the role of this variant in disease. Therefore, it has been classified as a Variant of Uncertain Significance. Algorithms developed to predict the effect of missense changes on protein structure and function are either unavailable or do not agree on the potential impact of this missense change (SIFT: "Tolerated"; PolyPhen-2: "Probably Damaging"; Align-GVGD: "Class C0").

NM_014140.4(SMARCAL1):c.1594C>T (p.Leu532Phe)

Gene: SMARCAL1 (SNF2 related chromatin remodeling annealing helicase 1; plus strand). Cytogenetic location: 2q35.
Variant type: single nucleotide variant.
Coding change: c.1594C>T on transcript NM_014140.4 (MANE Select); coding-DNA position 1594, C replaced by T.
Protein change: p.Leu532Phe; replaces leucine 532 with phenylalanine.
Molecular consequence: missense variant.
Genome position (GRCh38, 1-based): chr2:216,435,446, C>T. VCF-style: chr2-216435446-C-T. GRCh37 (hg19) VCF-style: chr2-217300169-C-T.
Other names: c.1594C>T, p.Leu532Phe (NM_001127207.2); short protein forms L532F.
Identifiers: ClinVar variation 577940 (VCV000577940.8), dbSNP rs968239393, ClinGen allele CA350500521.
Genomic context (GRCh38, chr2:216,435,446, plus strand): 5'-GTGGTGACTGGGAAGGACCGCCTGACAGCTGGCCTGATCAACATTGTCAGCTTTGACCTT[C>T]TTAGCAAGTTGGAAAAACAGCTAAAAACCCCTTTTAAAGTTGTCATCATTGTAAGAAACT-3'
Protein context (NP_054859.2, residues 522-542): GLINIVSFDL[Leu532Phe]SKLEKQLKTP